The following is an entry in ClinVar:

NM_001754.5(RUNX1):c.442A>G (p.Thr148Ala)

Genes: RUNX1 (RUNX family transcription factor 1; minus strand), RUNX1-AS1 (RUNX1 antisense RNA 1; plus strand). Cytogenetic location: 21q22.12.
Variant type: single nucleotide variant.
Coding change: c.442A>G on transcript NM_001754.5 (MANE Select); coding-DNA position 442, A replaced by G.
Protein change: p.Thr148Ala; replaces threonine 148 with alanine.
Molecular consequence: missense variant.
Genome position (GRCh38, 1-based): chr21:34,880,623, T>C on the plus strand (A>G on the coding strand, the complement: RUNX1 is on the minus strand). VCF-style: chr21-34880623-T-C. GRCh37 (hg19) VCF-style: chr21-36252920-T-C.
Other names: NM_001754.5(RUNX1):c.442A>G; p.Thr148Ala; c.361A>G, p.Thr121Ala (NM_001001890.3, NM_001122607.2); short protein forms T121A, T148A.
Identifiers: ClinVar variation 1364020 (VCV001364020.7), dbSNP rs1264896287, ClinGen allele CA410202602.
Genomic context (GRCh38, chr21:34,880,623, plus strand): 5'-CACTTCGACCGACAAACCTGAGGTCATTAAATCTTGCAACCTGGTTCTTCATGGCTGCGG[T>C]AGCATTTCTCAGCTCAGCCGAGTAGTTTTCATCATTGCCAGCCATCACAGTGACCAGAGT-3'
Protein context (NP_001745.2, residues 138-158): ENYSAELRNA[Thr148Ala]AAMKNQVARF

ClinVar aggregate classification (germline): Uncertain significance. Review status: reviewed by expert panel (3 of 4 stars). 2 submissions from 2 submitters: Uncertain significance (1). 1 of the submissions does not count toward it. Last evaluated 2024-09-30.

Conditions:
Hereditary thrombocytopenia and hematologic cancer predisposition syndrome. Identifiers: Orphanet 71290, MedGen CN281654, MONDO:0011071.
Hereditary thrombocytopenia and hematological cancer predisposition syndrome associated with RUNX1. Also called: PLATELET DISORDER, ASPIRIN-LIKE; RUNX1 Familial Platelet Disorder with Associated Myeloid Malignancies; Familial Platelet Disorder with Propensity to Acute Myelogenous Leukemia; Familial thrombocytopenia with propensity to acute myelogenous leukemia. Identifiers: Orphanet 71290, MedGen C1832388, MeSH C563324, MONDO:0100083, OMIM 601399.

Allele frequency attached by ClinVar (database versions not stated): TOPMed below 0.00001; gnomAD 0.00001; gnomAD exomes below 0.00001.
gnomAD v4.1: 4 of 1,613,942 alleles (0.00025%); highest among the groups gnomAD compares: Non-Finnish European, 0.00034%; no homozygotes.

Submissions (2):

ClinGen Myeloid Malignancy Variant Curation Expert Panel
Classification: Uncertain significance for Hereditary thrombocytopenia and hematologic cancer predisposition syndrome. Last evaluated: 2024-09-30. Review status: reviewed by expert panel. Criteria: ClinGen MyeloMalig ACMG Specifications v2. Collection method: curation. Allele origin: germline. Inheritance: Autosomal dominant inheritance.
Comment: NM_001754.5(RUNX1):c.442A>G (p.Thr148Ala) is a missense variant which is located within the Runt Homology Domain (AA 89-204), but does not occur in an established hotspot residue (PM1_supporting). In summary, the clinical significance of this variant is uncertain. ACMG/AMP criteria applied, as specified by the Myeloid Malignancy Variant Curation Expert Panel for RUNX1: PM1_supporting.

Labcorp Genetics (formerly Invitae), Labcorp
Classification: Uncertain significance for Hereditary thrombocytopenia and hematological cancer predisposition syndrome associated with RUNX1. Last evaluated: 2021-10-21. Review status: criteria provided, single submitter. Criteria: Invitae Variant Classification Sherloc (09022015). Collection method: clinical testing. Allele origin: germline. Not counted in ClinVar's aggregate classification.
Comment: Algorithms developed to predict the effect of missense changes on protein structure and function are either unavailable or do not agree on the potential impact of this missense change (SIFT: "Tolerated"; PolyPhen-2: "Possibly Damaging"; Align-GVGD: "Class C0"). This variant has not been reported in the literature in individuals with RUNX1-related conditions. This variant is not present in population databases (ExAC no frequency). This sequence change replaces threonine with alanine at codon 148 of the RUNX1 protein (p.Thr148Ala). The threonine residue is moderately conserved and there is a small physicochemical difference between threonine and alanine. In summary, the available evidence is currently insufficient to determine the role of this variant in disease. Therefore, it has been classified as a Variant of Uncertain Significance.